The following is an entry in ClinVar:

ClinVar aggregate classification (germline): Uncertain significance (1 of 4 stars; one submission).

Submission:

Labcorp Genetics (formerly Invitae), Labcorp
Classification: Uncertain significance. Last evaluated: 2025-07-13. Review status: criteria provided, single submitter. Criteria: Invitae Variant Classification Sherloc (09022015). Collection method: clinical testing. Allele origin: germline.
Comment: This sequence change replaces threonine, which is neutral and polar, with asparagine, which is neutral and polar, at codon 614 of the CFB protein (p.Thr614Asn). This variant is not present in population databases (gnomAD no frequency). This variant has not been reported in the literature in individuals affected with CFB-related conditions. ClinVar contains an entry for this variant (Variation ID: 3686107). Invitae Evidence Modeling of protein sequence and biophysical properties (such as structural, functional, and spatial information, amino acid conservation, physicochemical variation, residue mobility, and thermodynamic stability) indicates that this missense variant is not expected to disrupt CFB protein function with a negative predictive value of 80%. In summary, the available evidence is currently insufficient to determine the role of this variant in disease. Therefore, it has been classified as a Variant of Uncertain Significance.

NM_001710.6(CFB):c.1841C>A (p.Thr614Asn)

Gene: CFB (complement factor B; plus strand). Cytogenetic location: 6p21.33.
Variant type: single nucleotide variant.
Coding change: c.1841C>A on transcript NM_001710.6 (MANE Select); coding-DNA position 1841, C replaced by A.
Protein change: p.Thr614Asn; replaces threonine 614 with asparagine.
Molecular consequence: missense variant.
Genome position (GRCh38, 1-based): chr6:31,950,930, C>A. VCF-style: chr6-31950930-C-A. GRCh37 (hg19) VCF-style: chr6-31918707-C-A.
Other names: short protein forms T614N.
Identifiers: ClinVar variation 3686107 (VCV003686107.2).